The following is an entry in ClinVar:

NM_001378183.1(PIEZO2):c.2252T>C (p.Ile751Thr)

Gene: PIEZO2 (piezo type mechanosensitive ion channel component 2; minus strand). Cytogenetic location: 18p11.22.
Variant type: single nucleotide variant.
Coding change: c.2252T>C on transcript NM_001378183.1 (MANE Select); coding-DNA position 2252, T replaced by C.
Protein change: p.Ile751Thr; replaces isoleucine 751 with threonine.
Molecular consequence: missense variant.
Genome position (GRCh38, 1-based): chr18:10,787,102, A>G on the plus strand (T>C on the coding strand, the complement: PIEZO2 is on the minus strand). VCF-style: chr18-10787102-A-G. GRCh37 (hg19) VCF-style: chr18-10787100-A-G.
Other names: c.2252T>C, p.Ile751Thr (NM_001410871.1, NM_022068.4); short protein forms I751T.
Identifiers: ClinVar variation 3368014 (VCV003368014.1).

ClinVar aggregate classification (germline): Uncertain significance (1 of 4 stars; one submission).

Submission:

GeneDx
Classification: Uncertain significance. Last evaluated: 2024-01-22. Review status: criteria provided, single submitter. Criteria: GeneDx Variant Classification Process June 2021. Collection method: clinical testing. Allele origin: germline. Affected: yes.
Comment: Not observed at significant frequency in large population cohorts (gnomAD); In silico analysis supports that this missense variant has a deleterious effect on protein structure/function; Has not been previously published as pathogenic or benign to our knowledge